The following is an entry in ClinVar:

ClinVar aggregate classification (germline): Uncertain significance. Review status: criteria provided, multiple submitters, no conflicts (2 of 4 stars). 3 submissions from 3 submitters: Uncertain significance (3). Last evaluated 2025-11-02.

Conditions:
Factor I deficiency (CFID). Also called: Complement factor I deficiency. Identifiers: Orphanet 200418, MedGen C3463916, MONDO:0012594, OMIM 610984.
Atypical hemolytic-uremic syndrome with I factor anomaly. Also called: HEMOLYTIC UREMIC SYNDROME, ATYPICAL, SUSCEPTIBILITY TO, 3; AHUS, SUSCEPTIBILITY TO, 3. Identifiers: Orphanet 2134, MedGen C2752039, MONDO:0013041, OMIM 612923.
Age related macular degeneration 13. Identifiers: MedGen C3809523, MONDO:0014189, OMIM 615439.
Inborn genetic diseases. Identifiers: MedGen C0950123, MeSH D030342.

Allele frequency attached by ClinVar (database versions not stated): gnomAD 0.00001; TOPMed 0.00002.
gnomAD v4.1: 9 of 1,614,026 alleles (0.00056%); highest among the groups gnomAD compares: Non-Finnish European, 0.00076%; no homozygotes.

Submissions (3):

Labcorp Genetics (formerly Invitae), Labcorp
Classification: Uncertain significance. Last evaluated: 2025-11-02. Review status: criteria provided, single submitter. Criteria: Invitae Variant Classification Sherloc (09022015). Collection method: clinical testing. Allele origin: germline.
Comment: This sequence change replaces aspartic acid, which is acidic and polar, with tyrosine, which is neutral and polar, at codon 359 of the CFI protein (p.Asp359Tyr). This variant is present in population databases (no rsID available, gnomAD 0.0009%). This variant has not been reported in the literature in individuals affected with CFI-related conditions. ClinVar contains an entry for this variant (Variation ID: 2597062). Invitae Evidence Modeling of protein sequence and biophysical properties (such as structural, functional, and spatial information, amino acid conservation, physicochemical variation, residue mobility, and thermodynamic stability) indicates that this missense variant is not expected to disrupt CFI protein function with a negative predictive value of 80%. In summary, the available evidence is currently insufficient to determine the role of this variant in disease. Therefore, it has been classified as a Variant of Uncertain Significance.

Ambry Genetics
Classification: Uncertain significance for Inborn genetic diseases. Last evaluated: 2025-08-02. Review status: criteria provided, single submitter. Criteria: Ambry Variant Classification Scheme 2023. Collection method: clinical testing. Allele origin: germline.

Fulgent Genetics
Classification: Uncertain significance for Factor I deficiency; Atypical hemolytic-uremic syndrome with I factor anomaly; Age related macular degeneration 13. Last evaluated: 2024-05-27. Review status: criteria provided, single submitter. Criteria: ACMG Guidelines, 2015. Collection method: clinical testing. Allele origin: germline.

NM_000204.5(CFI):c.1075G>T (p.Asp359Tyr)

Gene: CFI (complement factor I; minus strand). Cytogenetic location: 4q25.
Variant type: single nucleotide variant.
Coding change: c.1075G>T on transcript NM_000204.5 (MANE Select); coding-DNA position 1075, G replaced by T.
Protein change: p.Asp359Tyr; replaces aspartic acid 359 with tyrosine.
Molecular consequence: missense variant. On other transcripts: non-coding transcript variant (3).
Genome position (GRCh38, 1-based): chr4:109,749,291, C>A on the plus strand (G>T on the coding strand, the complement: CFI is on the minus strand). VCF-style: chr4-109749291-C-A. GRCh37 (hg19) VCF-style: chr4-110670447-C-A.
Other names: c.1099G>T, p.Asp367Tyr (NM_001318057.2, NM_001375278.1); c.1054G>T, p.Asp352Tyr (NM_001331035.2, NM_001375280.1, NM_001375282.1); c.1075G>T, p.Asp359Tyr (NM_001375279.1, NM_001375281.1); c.1018G>T, p.Asp340Tyr (NM_001375283.1); c.466G>T, p.Asp156Tyr (NM_001375284.1); short protein forms D352Y, D367Y, D340Y, D359Y, D156Y.
Identifiers: ClinVar variation 2597062 (VCV002597062.6), dbSNP rs1000969873, ClinGen allele CA103690825.